The following is an entry in ClinVar:

NM_033305.3(VPS13A):c.7155delinsAGTAA (p.Leu2386fs)

Gene: VPS13A (vacuolar protein sorting 13 homolog A; plus strand). Cytogenetic location: 9q21.2.
Variant type: Indel.
Coding change: c.7155delinsAGTAA on transcript NM_033305.3 (MANE Select); coding-DNA position 7155, G replaced by AGTAA.
Protein change: p.Leu2386fs; shifts the reading frame from leucine 2386.
Molecular consequence: frameshift variant.
Genome position (GRCh38, 1-based): chr9:77,344,281, G replaced by AGTAA. VCF-style: chr9-77344281-G-AGTAA. GRCh37 (hg19) VCF-style: chr9-79959197-G-AGTAA.
Other names: c.7038delinsAGTAA, p.Leu2347fs (NM_001018037.2); c.7155delinsAGTAA, p.Leu2386fs (NM_001018038.3, NM_015186.4); short protein forms L2347fs, L2386fs.
Identifiers: ClinVar variation 4816419 (VCV004816419.1).

ClinVar aggregate classification (germline): Likely pathogenic (1 of 4 stars; one submission).

Conditions:
VPS13A-related neurodegenerative disease. Also called: LEVINE-CRITCHLEY SYNDROME; Choreoacanthocytosis; Chorea-acanthocytosis; ACANTHOCYTOSIS WITH NEUROLOGIC DISORDER; VPS13A Disease; Choreaacanthocytosis. Identifiers: Orphanet 2388, MedGen C0393576, MONDO:0008695, OMIM 200150.

Submission:

Natera, Inc.
Classification: Likely pathogenic for Choreaacanthocytosis. Last evaluated: 2025-01-19. Review status: criteria provided, single submitter. Criteria: Natera Variant Classification Schema (03/2026). Collection method: clinical testing. Allele origin: germline.
Comment: The c.7155delGinsAGTAA variant in VPS13A is a frameshift variant predicted to shift the reading frame beginning at codon 2386 and leads to a stop codon 25 codons downstream. This variant is expected to result in nonsense mediated decay, truncation, or a dysfunctional protein product. This variant is rare in the general population with a frequency below the threshold expected for the associated phenotype(s). Given the available evidence, this variant is classified as Likely Pathogenic.